The following is an entry in ClinVar:

ClinVar aggregate classification (germline): Uncertain significance. Review status: criteria provided, multiple submitters, no conflicts (2 of 4 stars). 3 submissions from 3 submitters: Uncertain significance (3). Last evaluated 2025-11-21.

Conditions:
Hereditary cancer-predisposing syndrome. Also called: Hereditary Cancer Syndrome; Hereditary neoplastic syndrome; Neoplastic Syndromes, Hereditary; Tumor predisposition. Identifiers: Orphanet 140162, MedGen C0027672, MeSH D009386, MONDO:0015356.

Allele frequency attached by ClinVar (database versions not stated): gnomAD exomes below 0.00001; ESP Exome Variant Server 0.00008.
gnomAD v4.1: 3 of 1,609,306 alleles (0.00019%); highest among the groups gnomAD compares: South Asian, 0.0011%; no homozygotes.

Submissions (3):

Women's Health and Genetics/Laboratory Corporation of America, LabCorp
Classification: Uncertain significance. Last evaluated: 2025-11-21. Review status: criteria provided, single submitter. Criteria: LabCorp Variant Classification Summary - May 2015. Collection method: clinical testing. Allele origin: germline.

Labcorp Genetics (formerly Invitae), Labcorp
Classification: Uncertain significance for Hereditary cancer-predisposing syndrome. Last evaluated: 2024-05-29. Review status: criteria provided, single submitter. Criteria: Invitae Variant Classification Sherloc (09022015). Collection method: clinical testing. Allele origin: germline.
Comment: This sequence change replaces histidine, which is basic and polar, with arginine, which is basic and polar, at codon 559 of the RAD50 protein (p.His559Arg). This variant is not present in population databases (gnomAD no frequency). This variant has not been reported in the literature in individuals affected with RAD50-related conditions. ClinVar contains an entry for this variant (Variation ID: 408346). Advanced modeling of protein sequence and biophysical properties (such as structural, functional, and spatial information, amino acid conservation, physicochemical variation, residue mobility, and thermodynamic stability) performed at Invitae indicates that this missense variant is not expected to disrupt RAD50 protein function with a negative predictive value of 80%. In summary, the available evidence is currently insufficient to determine the role of this variant in disease. Therefore, it has been classified as a Variant of Uncertain Significance.

Ambry Genetics
Classification: Uncertain significance for Hereditary cancer-predisposing syndrome. Last evaluated: 2024-05-16. Review status: criteria provided, single submitter. Criteria: Ambry Variant Classification Scheme 2023. Collection method: clinical testing. Allele origin: germline.
Comment: The p.H559R variant (also known as c.1676A>G), located in coding exon 11 of the RAD50 gene, results from an A to G substitution at nucleotide position 1676. The histidine at codon 559 is replaced by arginine, an amino acid with highly similar properties. This amino acid position is highly conserved in available vertebrate species. In addition, the in silico prediction for this alteration is inconclusive. Since supporting evidence is limited at this time, the clinical significance of this alteration remains unclear.

NM_005732.4(RAD50):c.1676A>G (p.His559Arg)

Gene: RAD50 (RAD50 double strand break repair protein; plus strand). Cytogenetic location: 5q31.1.
Variant type: single nucleotide variant.
Coding change: c.1676A>G on transcript NM_005732.4 (MANE Select); coding-DNA position 1676, A replaced by G.
Protein change: p.His559Arg; replaces histidine 559 with arginine.
Molecular consequence: missense variant.
Genome position (GRCh38, 1-based): chr5:132,591,917, A>G. VCF-style: chr5-132591917-A-G. GRCh37 (hg19) VCF-style: chr5-131927609-A-G.
Other names: short protein forms H559R.
Identifiers: ClinVar variation 408346 (VCV000408346.16), dbSNP rs374624870, ClinGen allele CA16611768.